The following is an entry in ClinVar:

NM_000553.6(WRN):c.523T>G (p.Trp175Gly)

Gene: WRN (WRN RecQ like helicase; plus strand). Cytogenetic location: 8p12.
Variant type: single nucleotide variant.
Coding change: c.523T>G on transcript NM_000553.6 (MANE Select); coding-DNA position 523, T replaced by G.
Protein change: p.Trp175Gly; replaces tryptophan 175 with glycine.
Molecular consequence: missense variant.
Genome position (GRCh38, 1-based): chr8:31,067,051, T>G. VCF-style: chr8-31067051-T-G. GRCh37 (hg19) VCF-style: chr8-30924567-T-G.
Other names: short protein forms W175G.
Identifiers: ClinVar variation 953744 (VCV000953744.5), dbSNP rs1554519269, ClinGen allele CA370915901.

ClinVar aggregate classification (germline): Uncertain significance (1 of 4 stars; one submission).

Conditions:
Werner syndrome (WRN). Identifiers: Orphanet 902, MedGen C0043119, MONDO:0010196, OMIM 277700.

Allele frequency attached by ClinVar (database versions not stated): gnomAD exomes below 0.00001.

Submission:

Labcorp Genetics (formerly Invitae), Labcorp
Classification: Uncertain significance for Werner syndrome. Last evaluated: 2019-07-17. Review status: criteria provided, single submitter. Criteria: Invitae Variant Classification Sherloc (09022015). Collection method: clinical testing. Allele origin: germline.
Comment: This variant is not present in population databases (ExAC no frequency). This sequence change replaces tryptophan with glycine at codon 175 of the WRN protein (p.Trp175Gly). The tryptophan residue is highly conserved and there is a large physicochemical difference between tryptophan and glycine. This variant has not been reported in the literature in individuals with WRN-related conditions. In summary, the available evidence is currently insufficient to determine the role of this variant in disease. Therefore, it has been classified as a Variant of Uncertain Significance. Algorithms developed to predict the effect of missense changes on protein structure and function are either unavailable or do not agree on the potential impact of this missense change (SIFT: "Tolerated"; PolyPhen-2: "Probably Damaging"; Align-GVGD: "Class C0").